The following is an entry in ClinVar:

NM_000038.6(APC):c.3646dup (p.Glu1216fs)

Gene: APC (APC regulator of Wnt signaling pathway; plus strand). Cytogenetic location: 5q22.2.
Variant type: Duplication.
Coding change: c.3646dup on transcript NM_000038.6 (MANE Select); coding-DNA position 3646, one base duplicated (G; older notation c.3646dupG).
Protein change: p.Glu1216fs; shifts the reading frame from glutamic acid 1216.
Molecular consequence: frameshift variant. On other transcripts: non-coding transcript variant (2).
Genome position (GRCh38, 1-based): chr5:112,839,240, G duplicated. VCF-style (leftmost placement, unchanged base first): chr5-112839239-T-TG. GRCh37 (hg19) VCF-style: chr5-112174936-T-TG.
Other names: c.3646dupG (NM_000038.5); c.3646dup, p.Glu1216fs (NM_001127510.3, NM_001354895.2, NM_001407450.1); c.3592dup, p.Glu1198fs (NM_001127511.3); c.3700dup, p.Glu1234fs (NM_001354896.2, NM_001407447.1, NM_001407448.1 and 1 more transcripts); c.3676dup, p.Glu1226fs (NM_001354897.2); c.3571dup, p.Glu1191fs (NM_001354898.2); c.3562dup, p.Glu1188fs (NM_001354899.2); c.3523dup, p.Glu1175fs (NM_001354900.2); and 12 more; short protein forms E1056fs, E1087fs, E1090fs, E1115fs, E1125fs, E1133fs, E1157fs, E1175fs.
Identifiers: ClinVar variation 2583900 (VCV002583900.3), dbSNP rs2533514111, ClinGen allele CA2582341528.

ClinVar aggregate classification (germline): Pathogenic. Review status: criteria provided, multiple submitters, no conflicts (2 of 4 stars). 2 submissions from 2 submitters: Pathogenic (2). Last evaluated 2024-02-05.

Conditions:
Familial adenomatous polyposis 1 (FAP1). Also called: FAMILIAL ADENOMATOUS POLYPOSIS 1, ATTENUATED; POLYPOSIS, ADENOMATOUS INTESTINAL. Identifiers: MedGen C2713442, MONDO:0021056, OMIM 175100. Disease mechanism: loss of function.
Hereditary cancer-predisposing syndrome. Also called: Hereditary neoplastic syndrome; Tumor predisposition; Hereditary Cancer Syndrome; Neoplastic Syndromes, Hereditary. Identifiers: Orphanet 140162, MedGen C0027672, MeSH D009386, MONDO:0015356.

Submissions (2):

Ambry Genetics
Classification: Pathogenic for Hereditary cancer-predisposing syndrome. Last evaluated: 2024-02-05. Review status: criteria provided, single submitter. Criteria: Ambry Variant Classification Scheme 2023. Collection method: clinical testing. Allele origin: germline.
Comment: The c.3646dupG pathogenic mutation, located in coding exon 15 of the APC gene, results from a duplication of G at nucleotide position 3646, causing a translational frameshift with a predicted alternate stop codon (p.E1216Gfs*9). This variant is considered to be rare based on population cohorts in the Genome Aggregation Database (gnomAD). This variant has been observed in at least one individual with a personal and/or family history that is consistent with familial adenomatous polyposis (FAP) (Ambry internal data). This alteration is expected to result in loss of function by premature protein truncation or nonsense-mediated mRNA decay. As such, this alteration is interpreted as a disease-causing mutation.

Myriad Genetics, Inc.
Classification: Pathogenic for Familial adenomatous polyposis 1. Last evaluated: 2023-05-09. Review status: criteria provided, single submitter. Criteria: Myriad Autosomal Dominant, Autosomal Recessive and X-Linked Classification Criteria (2023). Collection method: clinical testing. Allele origin: unknown.
Comment: This variant is considered pathogenic. This variant creates a frameshift predicted to result in premature protein truncation.